The following is an entry in ClinVar:

ClinVar aggregate classification (germline): Pathogenic (1 of 4 stars; one submission).

Submission:

Quest Diagnostics Nichols Institute San Juan Capistrano
Classification: Pathogenic. Last evaluated: 2023-12-06. Review status: criteria provided, single submitter. Criteria: ACMG/ClinGen CNV Guidelines, 2019. Collection method: clinical testing. Allele origin: unknown.
Comment: This terminal deletion of 5p contains the region associated with Cri-du-chat syndrome (ISCA-37390; OMIM 123450; Ajitkumar et al., StatPearls. [2022 Oct 25]. PMID: 29494067, Zhang et al., Am J Hum Genet. 2005 Feb;76(2):312-26. PMID: 15635506). Thus, this CNV is classified as pathogenic.

GRCh37/hg19 5p15.33-14.1(chr5:113577-26164852)x1

Genes: CDH12 (cadherin 12; minus strand), CDH18 (cadherin 18; minus strand), CEP72 (centrosomal protein 72), CFAP90 (cilia and flagella associated protein 90; minus strand), CLPTM1L (CLPTM1 like) and 63 more. Cytogenetic location: 5p15.33-14.1.
Variant type: copy number loss.
Change: copy number 1 (one copy instead of two) of chr5:113,577-26,164,852 (26.05 Mb, GRCh37 coordinates, 1-based), cytogenetic band 5p15.33-14.1.
Identifiers: ClinVar variation 1809200 (VCV001809200.1).